The following is an entry in ClinVar:

ClinVar aggregate classification (germline): Uncertain significance (1 of 4 stars; one submission).

Conditions:
Hereditary breast ovarian cancer syndrome. Also called: Hereditary breast and ovarian cancer syndrome; Hereditary breast and ovarian cancer syndrome (HBOC); BRCA1- and BRCA2-Associated Hereditary Breast and Ovarian Cancer; Hereditary breast and ovarian cancer; Breast and ovarian cancer; Hereditary breast and/or ovarian cancer syndrome. Identifiers: Orphanet 145, MedGen C0677776, MeSH D061325, MONDO:0003582. Disease mechanism: loss of function.

Submission:

Labcorp Genetics (formerly Invitae), Labcorp
Classification: Uncertain significance for Hereditary breast ovarian cancer syndrome. Last evaluated: 2024-03-27. Review status: criteria provided, single submitter. Criteria: Invitae Variant Classification Sherloc (09022015). Collection method: clinical testing. Allele origin: germline.
Comment: This sequence change replaces arginine, which is basic and polar, with serine, which is neutral and polar, at codon 2424 of the BRCA2 protein (p.Arg2424Ser). This variant is not present in population databases (gnomAD no frequency). This variant has not been reported in the literature in individuals affected with BRCA2-related conditions. Advanced modeling of protein sequence and biophysical properties (such as structural, functional, and spatial information, amino acid conservation, physicochemical variation, residue mobility, and thermodynamic stability) performed at Invitae indicates that this missense variant is not expected to disrupt BRCA2 protein function with a negative predictive value of 95%. In summary, the available evidence is currently insufficient to determine the role of this variant in disease. Therefore, it has been classified as a Variant of Uncertain Significance.

NM_000059.4(BRCA2):c.7272G>T (p.Arg2424Ser)

Gene: BRCA2 (BRCA2 DNA repair associated; plus strand). Cytogenetic location: 13q13.1.
Variant type: single nucleotide variant.
Coding change: c.7272G>T on transcript NM_000059.4 (MANE Select); coding-DNA position 7272, G replaced by T.
Protein change: p.Arg2424Ser; replaces arginine 2424 with serine.
Molecular consequence: missense variant. On other transcripts: non-coding transcript variant (1).
Genome position (GRCh38, 1-based): chr13:32,355,125, G>T. VCF-style: chr13-32355125-G-T. GRCh37 (hg19) VCF-style: chr13-32929262-G-T.
Other names: c.7176G>T, p.Arg2392Ser (NM_001406719.1); c.7272G>T, p.Arg2424Ser (NM_001406720.1, NM_001432077.1); c.2340G>T, p.Arg780Ser (NM_001406721.1); c.855G>T, p.Arg285Ser (NM_001406722.1); short protein forms R2392S, R2424S, R285S, R780S.
Identifiers: ClinVar variation 3636518 (VCV003636518.2).
Genomic context (GRCh38, chr13:32,355,125, plus strand): 5'-AGTCTTTGTTCCACCTTTTAAAACTAAATCACATTTTCACAGAGTTGAACAGTGTGTTAG[G>T]AATATTAACTTGGAGGAAAACAGACAAAAGCAAAACATTGATGGACATGGCTCTGATGAT-3'
Protein context (NP_000050.3, residues 2414-2434): SHFHRVEQCV[Arg2424Ser]NINLEENRQK